The following is an entry in ClinVar:

NM_130837.3(OPA1):c.289C>G (p.Leu97Val)

Gene: OPA1 (OPA1 mitochondrial dynamin like GTPase; plus strand). Cytogenetic location: 3q29.
Variant type: single nucleotide variant.
Coding change: c.289C>G on transcript NM_130837.3 (MANE Select); coding-DNA position 289, C replaced by G.
Protein change: p.Leu97Val; replaces leucine 97 with valine.
Molecular consequence: missense variant. On other transcripts: 5 prime UTR variant (2).
Genome position (GRCh38, 1-based): chr3:193,614,979, C>G. VCF-style: chr3-193614979-C-G. GRCh37 (hg19) VCF-style: chr3-193332768-C-G.
Other names: c.-84C>G (NM_001354663.2, NM_001354664.2); c.289C>G, p.Leu97Val (NM_015560.3, NM_130831.3, NM_130832.3 and 4 more transcripts); short protein forms L97V.
Identifiers: ClinVar variation 1436743 (VCV001436743.8), dbSNP rs369233231, ClinGen allele CA90567312.
Genomic context (GRCh38, chr3:193,614,979, plus strand): 5'-CCAATTAAATATGGCTACCAGCCTCGCAGGAATTTTTGGCCAGCAAGATTAGCTACGAGA[C>G]TCTTAAAACTTCGCTATCTCATACTAGGATCGGCTGTTGGGGGTGGCTACACAGCCAAAA-3'
Protein context (NP_570850.2, residues 87-107): NFWPARLATR[Leu97Val]LKLRYLILGS

ClinVar aggregate classification (germline): Uncertain significance (1 of 4 stars; one submission).

Allele frequency attached by ClinVar (database versions not stated): TOPMed 0.00001; gnomAD 0.00002; ESP Exome Variant Server 0.00008.
gnomAD v4.1: 3 of 1,614,060 alleles (0.00019%); highest among the groups gnomAD compares: African/African-American, 0.004%; no homozygotes.

Submission:

Labcorp Genetics (formerly Invitae), Labcorp
Classification: Uncertain significance. Last evaluated: 2022-10-13. Review status: criteria provided, single submitter. Criteria: Invitae Variant Classification Sherloc (09022015). Collection method: clinical testing. Allele origin: germline.
Comment: In summary, the available evidence is currently insufficient to determine the role of this variant in disease. Therefore, it has been classified as a Variant of Uncertain Significance. Advanced modeling of protein sequence and biophysical properties (such as structural, functional, and spatial information, amino acid conservation, physicochemical variation, residue mobility, and thermodynamic stability) performed at Invitae indicates that this missense variant is not expected to disrupt OPA1 protein function. ClinVar contains an entry for this variant (Variation ID: 1436743). This variant has not been reported in the literature in individuals affected with OPA1-related conditions. This variant is present in population databases (rs369233231, gnomAD 0.01%). This sequence change replaces leucine, which is neutral and non-polar, with valine, which is neutral and non-polar, at codon 97 of the OPA1 protein (p.Leu97Val).